The following is an entry in ClinVar:

NM_182943.3(PLOD2):c.2110G>A (p.Glu704Lys)

Gene: PLOD2 (procollagen-lysine,2-oxoglutarate 5-dioxygenase 2; minus strand). Cytogenetic location: 3q24.
Variant type: single nucleotide variant.
Coding change: c.2110G>A on transcript NM_182943.3 (MANE Select); coding-DNA position 2110, G replaced by A.
Protein change: p.Glu704Lys; replaces glutamic acid 704 with lysine.
Molecular consequence: missense variant.
Genome position (GRCh38, 1-based): chr3:146,071,053, C>T on the plus strand (G>A on the coding strand, the complement: PLOD2 is on the minus strand). VCF-style: chr3-146071053-C-T. GRCh37 (hg19) VCF-style: chr3-145788840-C-T.
Other names: c.2047G>A, p.Glu683Lys (NM_000935.3); short protein forms E683K, E704K.
Identifiers: ClinVar variation 900155 (VCV000900155.36), dbSNP rs140079753, ClinGen allele CA2654682.

ClinVar aggregate classification (germline): Uncertain significance. Review status: criteria provided, multiple submitters, no conflicts (2 of 4 stars). 8 submissions from 8 submitters: Uncertain significance (8). Last evaluated 2026-09-30.

Conditions:
Bruck syndrome 2 (BRKS2). Also called: OSTEOGENESIS IMPERFECTA WITH CONGENITAL JOINT CONTRACTURES. Identifiers: Orphanet 2771, MedGen C1836602, MONDO:0012217, OMIM 609220.
Inborn genetic diseases. Identifiers: MedGen C0950123, MeSH D030342.
Osteogenesis imperfecta (OI). Identifiers: Orphanet 666, MedGen C0029434, MeSH D010013, MONDO:0019019.

Allele frequency attached by ClinVar (database versions not stated): ESP Exome Variant Server 0.00023; gnomAD exomes 0.00025 and 0.00043; ExAC 0.00027; TOPMed 0.00029.
gnomAD v4.1: 667 of 1,606,844 alleles (0.042%); highest among the groups gnomAD compares: Non-Finnish European, 0.052%; no homozygotes.

Submissions (8):

GeneDx
Classification: Uncertain significance. Last evaluated: 2026-09-30. Review status: criteria provided, single submitter. Criteria: GeneDx Variant Classification Process June 2021. Collection method: clinical testing. Allele origin: germline.
Comment: In silico analysis suggests that this missense variant does not alter protein structure/function; Has not been previously published as pathogenic or benign to our knowledge

Women's Health and Genetics/Laboratory Corporation of America, LabCorp
Classification: Uncertain significance. Last evaluated: 2025-10-31. Review status: criteria provided, single submitter. Criteria: LabCorp Variant Classification Summary - May 2015. Collection method: clinical testing. Allele origin: germline.
Comment: Variant summary: PLOD2 c.2110G>A (p.Glu704Lys) results in a conservative amino acid change located in the Oxoglutarate/iron-dependent dioxygenase (IPR005123) of the encoded protein sequence. Algorithms developed to predict the effect of missense changes on protein structure and function are either unavailable or do not agree on the potential impact of this missense change. The variant allele was found at a frequency of 0.00025 in 249146 control chromosomes. This frequency is not significantly higher than estimated for disease-causing variants in PLOD2, allowing no conclusion about variant significance. To our knowledge, no occurrence of c.2110G>A in individuals affected with PLOD2-related conditions and no experimental evidence demonstrating its impact on protein function have been reported. ClinVar contains an entry for this variant (Variation ID: 900155). Based on the evidence outlined above, the variant was classified as uncertain significance.

Blueprint Genetics
Classification: Uncertain significance. Last evaluated: 2024-11-14. Review status: criteria provided, single submitter. Criteria: ACMG Guidelines, 2015. Collection method: clinical testing. Allele origin: germline.

CeGaT Center for Human Genetics Tuebingen
Classification: Uncertain significance. Last evaluated: 2024-11-01. Review status: criteria provided, single submitter. Criteria: CeGaT Center For Human Genetics Tuebingen Variant Classification Criteria Version 2. Collection method: clinical testing. Allele origin: germline. Affected: yes. Observed: 1 variant allele.
Comment: PLOD2: PM2

Labcorp Genetics (formerly Invitae), Labcorp
Classification: Uncertain significance. Last evaluated: 2022-09-07. Review status: criteria provided, single submitter. Criteria: Invitae Variant Classification Sherloc (09022015). Collection method: clinical testing. Allele origin: germline.
Comment: This sequence change replaces glutamic acid, which is acidic and polar, with lysine, which is basic and polar, at codon 704 of the PLOD2 protein (p.Glu704Lys). This variant is present in population databases (rs140079753, gnomAD 0.06%). This variant has not been reported in the literature in individuals affected with PLOD2-related conditions. ClinVar contains an entry for this variant (Variation ID: 900155). Algorithms developed to predict the effect of missense changes on protein structure and function (SIFT, PolyPhen-2, Align-GVGD) all suggest that this variant is likely to be tolerated. In summary, the available evidence is currently insufficient to determine the role of this variant in disease. Therefore, it has been classified as a Variant of Uncertain Significance.

Ambry Genetics
Classification: Uncertain significance for Inborn genetic diseases. Last evaluated: 2021-08-17. Review status: criteria provided, single submitter. Criteria: Ambry Variant Classification Scheme 2023. Collection method: clinical testing. Allele origin: germline.

Genome Diagnostics Laboratory, The Hospital for Sick Children
Classification: Uncertain significance for Osteogenesis imperfecta. Last evaluated: 2021-07-09. Review status: criteria provided, single submitter. Criteria: ACMG Guidelines, 2015. Collection method: clinical testing. Allele origin: germline.

Illumina Laboratory Services, Illumina
Classification: Uncertain significance for Bruck syndrome 2. Last evaluated: 2018-01-13. Review status: criteria provided, single submitter. Criteria: ICSL Variant Classification Criteria 13 December 2019. Collection method: clinical testing. Allele origin: germline.